The following is an entry in ClinVar:

NM_001302084.2(TOP6BL):c.-41G>C

Gene: TOP6BL (TOP6B like initiator of meiotic double strand breaks; plus strand). Cytogenetic location: 11q13.2.
Variant type: single nucleotide variant.
Coding change: c.-41G>C on transcript NM_001302084.2 (MANE Select); 41 bases upstream of the start codon, G replaced by C.
Molecular consequence: 5 prime UTR variant. On other transcripts: missense variant (1).
Genome position (GRCh38, 1-based): chr11:66,744,908, G>C. VCF-style: chr11-66744908-G-C. GRCh37 (hg19) VCF-style: chr11-66512379-G-C.
Other names: c.19G>C, p.Ala7Pro (NM_024650.4); short protein forms A56P, A7P.
Identifiers: ClinVar variation 1050085 (VCV001050085.2), dbSNP rs1354765930, ClinGen allele CA381458503.

ClinVar aggregate classification (germline): Uncertain significance (0 of 4 stars; one submission).

Allele frequency attached by ClinVar (database versions not stated): gnomAD exomes below 0.00001; TOPMed below 0.00001; gnomAD 0.00001.
gnomAD v4.1: 2 of 1,265,700 alleles (0.00016%); highest among the groups gnomAD compares: Non-Finnish European, 0.0002%; no homozygotes.

Submission:

Department of Pathology and Laboratory Medicine, Sinai Health System
Classification: Uncertain significance. Review status: no assertion criteria provided. Collection method: clinical testing. Allele origin: unknown. Affected: yes. Study: The Canadian Open Genetics Repository (COGR).
Comment: The C11orf80 p.Ala56Pro variant was not identified in the literature nor was it identified in ClinVar. The variant was identified in dbSNP (ID: rs1354765930) and in control databases in 14 of 251440 chromosomes at a frequency of 0.00005568 (Genome Aggregation Database March 6, 2019, v2.1.1). The variant was observed in the East Asian population in 14 of 18394 chromosomes (freq: 0.000761), but was not observed in the African, Latino, Ashkenazi Jewish, European (Finnish), European (non-Finnish), Other, or South Asian populations. The p.Ala56 residue is conserved in mammals and computational analyses (PolyPhen-2, SIFT, AlignGVGD, BLOSUM, MutationTaster) provide inconsistent predictions regarding the impact to the protein; this information is not very predictive of pathogenicity. The variant occurs outside of the splicing consensus sequence and 2 of 4 in silico or computational prediction software programs (SpliceSiteFinder, MaxEntScan, NNSPLICE, GeneSplicer) predict a greater than 10% difference in splicing; this is not very predictive of pathogenicity. In summary, based on the above information the clinical significance of this variant cannot be determined with certainty at this time. This variant is classified as a variant of uncertain significance.